The following is an entry in ClinVar:

NM_001184.4(ATR):c.736T>A (p.Ser246Thr)

Gene: ATR (ATR checkpoint kinase; minus strand). Cytogenetic location: 3q23.
Variant type: single nucleotide variant.
Coding change: c.736T>A on transcript NM_001184.4 (MANE Select); coding-DNA position 736, T replaced by A.
Protein change: p.Ser246Thr; replaces serine 246 with threonine.
Molecular consequence: missense variant.
Genome position (GRCh38, 1-based): chr3:142,562,666, A>T on the plus strand (T>A on the coding strand, the complement: ATR is on the minus strand). VCF-style: chr3-142562666-A-T. GRCh37 (hg19) VCF-style: chr3-142281508-A-T.
Other names: c.736T>A, p.Ser246Thr (NM_001354579.2); short protein forms S246T.
Identifiers: ClinVar variation 2453563 (VCV002453563.2), dbSNP rs2473427853, ClinGen allele CA354825766.

ClinVar aggregate classification (germline): Uncertain significance (1 of 4 stars; one submission).

Conditions:
Inborn genetic diseases. Identifiers: MedGen C0950123, MeSH D030342.

Submission:

Ambry Genetics
Classification: Uncertain significance for Inborn genetic diseases. Last evaluated: 2023-01-11. Review status: criteria provided, single submitter. Criteria: Ambry Variant Classification Scheme 2023. Collection method: clinical testing. Allele origin: germline.
Comment: The p.S246T variant (also known as c.736T>A), located in coding exon 4 of the ATR gene, results from a T to A substitution at nucleotide position 736. The serine at codon 246 is replaced by threonine, an amino acid with similar properties. This amino acid position is conserved. In addition, this alteration is predicted to be tolerated by in silico analysis. Since supporting evidence is limited at this time, the clinical significance of this alteration remains unclear.